The following is an entry in ClinVar:

ClinVar aggregate classification (germline): Benign (0 of 4 stars; one submission).

Conditions:
DCDC5-related condition.

gnomAD v4.1: 1,609 of 1,592,348 alleles (0.1%); highest among the groups gnomAD compares: African/African-American, 2%; 5 homozygotes.

Submissions (2):

PreventionGenetics, part of Exact Sciences
Classification: Benign for DCDC5-related condition. Last evaluated: 2019-06-04. Review status: no assertion criteria provided. Collection method: clinical testing. Allele origin: germline.
Comment: This variant is classified as benign based on ACMG/AMP sequence variant interpretation guidelines (Richards et al. 2015 PMID: 25741868, with internal and published modifications).

Dr. Peter K. Rogan Lab, Western University
No classification provided (evidence only). Condition: Uterine carcinosarcoma. Review status: no classification provided. Collection method: in vitro. Allele origin: not applicable. Functional consequence: retained intron. Not counted in ClinVar's aggregate classification.

NM_001387274.1(DCDC1):c.2716-10C>A

Gene: DCDC1 (doublecortin domain containing 1; minus strand). Cytogenetic location: 11p14.1.
Variant type: single nucleotide variant.
Coding change: c.2716-10C>A on transcript NM_001387274.1 (MANE Select); 10 bases into the intron before coding-DNA position 2716, C replaced by A.
Molecular consequence: intron variant.
Genome position (GRCh38, 1-based): chr11:30,931,962, G>T on the plus strand (C>A on the coding strand, the complement: DCDC1 is on the minus strand). VCF-style: chr11-30931962-G-T. GRCh37 (hg19) VCF-style: chr11-30953509-G-T.
Other names: NC_000011.9:g.30953509G>T; c.2716-10C>A (NM_001367979.1); c.37-10C>A (NM_020869.4); c.-586-10C>A (NM_001387275.1).
Identifiers: ClinVar variation 3352658 (VCV003352658.2).